The following is an entry in ClinVar:

NM_001101426.4(CRPPA):c.790-11C>T

Gene: CRPPA (CDP-L-ribitol pyrophosphorylase A; minus strand). Cytogenetic location: 7p21.2.
Variant type: single nucleotide variant.
Coding change: c.790-11C>T on transcript NM_001101426.4 (MANE Select); 11 bases into the intron before coding-DNA position 790, C replaced by T.
Molecular consequence: intron variant.
Genome position (GRCh38, 1-based): chr7:16,301,477, G>A on the plus strand (C>T on the coding strand, the complement: CRPPA is on the minus strand). VCF-style: chr7-16301477-G-A. GRCh37 (hg19) VCF-style: chr7-16341102-G-A.
Other names: c.640-11C>T (NM_001101417.4); c.685-11C>T (NM_001368197.1).
Identifiers: ClinVar variation 389703 (VCV000389703.14), dbSNP rs141363557, ClinGen allele CA4169496.

ClinVar aggregate classification (germline): Conflicting classifications of pathogenicity. Review status: criteria provided, conflicting classifications (1 of 4 stars). 5 submissions from 5 submitters: Uncertain significance (1); Benign (2); Likely benign (2). Last evaluated 2026-01-11.

Conditions:
Congenital Muscular Dystrophy, alpha-dystroglycan related.
Muscular dystrophy-dystroglycanopathy (congenital with brain and eye anomalies), type A, 7. Also called: WALKER-WARBURG SYNDROME OR MUSCLE-EYE-BRAIN DISEASE, ISPD-RELATED; Congenital muscular dystrophy-dystroglycanopathy with brain and eye anomalies, type A7. Identifiers: Orphanet 899, MedGen C3553330, MONDO:0013835, OMIM 614643.
Autosomal recessive limb-girdle muscular dystrophy type 2U. Also called: Muscular dystrophy-dystroglycanopathy (limb-girdle), type c, 7; MUSCULAR DYSTROPHY, LIMB-GIRDLE, TYPE 2U. Identifiers: Orphanet 352479, MedGen C5190987, MONDO:0014474, OMIM 616052.

Allele frequency attached by ClinVar (database versions not stated): gnomAD exomes 0.00017 and 0.00008; ExAC 0.00024; ESP Exome Variant Server 0.00059; 1000 Genomes Project 30x 0.00078; 1000 Genomes Project 0.00080; gnomAD 0.00094 and 0.00101; TOPMed 0.00106.
gnomAD v4.1: 264 of 1,605,808 alleles (0.016%); highest among the groups gnomAD compares: African/African-American, 0.33%; 2 homozygotes.

Submissions (5):

Labcorp Genetics (formerly Invitae), Labcorp
Classification: Benign for Muscular dystrophy-dystroglycanopathy (congenital with brain and eye anomalies), type A, 7; Autosomal recessive limb-girdle muscular dystrophy type 2U. Last evaluated: 2026-01-11. Review status: criteria provided, single submitter. Criteria: Invitae Variant Classification Sherloc (09022015). Collection method: clinical testing. Allele origin: germline.

Women's Health and Genetics/Laboratory Corporation of America, LabCorp
Classification: Benign. Last evaluated: 2025-12-26. Review status: criteria provided, single submitter. Criteria: LabCorp Variant Classification Summary - May 2015. Collection method: clinical testing. Allele origin: germline.
Comment: Variant summary: CRPPA c.790-11C>T alters a conserved nucleotide located at a position not widely known to affect splicing. The variant allele was found at a frequency of 0.00025 in 277820 control chromosomes, predominantly at a frequency of 0.0026 within the African or African-American subpopulation in the gnomAD database. The observed variant frequency within African or African-American control individuals in the gnomAD database exceeds the estimated maximal expected allele frequency for disease-causing variants in CRPPA. To our knowledge, no occurrence of c.790-11C>T in individuals affected with CRPPA-related conditions and no experimental evidence demonstrating its impact on protein function have been reported. ClinVar contains an entry for this variant (Variation ID: 389703). Based on the evidence outlined above, the variant was classified as benign.

Blueprint Genetics
Classification: Likely benign. Last evaluated: 2023-09-21. Review status: criteria provided, single submitter. Criteria: ACMG Guidelines, 2015. Collection method: clinical testing. Allele origin: germline.

GeneDx
Classification: Likely benign. Last evaluated: 2018-03-01. Review status: criteria provided, single submitter. Criteria: GeneDx Variant Classification (06012015). Collection method: clinical testing. Allele origin: germline. Affected: yes.
Comment: This variant is considered likely benign or benign based on one or more of the following criteria: it is a conservative change, it occurs at a poorly conserved position in the protein, it is predicted to be benign by multiple in silico algorithms, and/or has population frequency not consistent with disease.

Illumina Laboratory Services, Illumina
Classification: Uncertain significance for Congenital Muscular Dystrophy, alpha-dystroglycan related. Last evaluated: 2018-01-12. Review status: criteria provided, single submitter. Criteria: ICSL Variant Classification Criteria 13 December 2019. Collection method: clinical testing. Allele origin: germline.